The following is an entry in ClinVar:

ClinVar aggregate classification (germline): Likely pathogenic (1 of 4 stars; one submission).

Submission:

Labcorp Genetics (formerly Invitae), Labcorp
Classification: Likely pathogenic. Last evaluated: 2024-01-24. Review status: criteria provided, single submitter. Criteria: Invitae Variant Classification Sherloc (09022015). Collection method: clinical testing. Allele origin: germline.
Comment: This variant results in the deletion of part of exon 5 (c.820_820+1delinsTC) of the VLDLR gene. RNA analysis indicates that this variant induces altered splicing and may result in an absent or disrupted protein product. Information on the frequency of this variant in the gnomAD database is not available, as this variant may be reported differently in the database. This variant has been observed in individual(s) with Cerebellar ataxia, mental retardation and dysequilibrium syndrome (CAMRQ) (PMID: 23670308). This variant is also known as c.820C>T and c.820+1G>C. Studies have shown that this variant results in retention of exon 5 and introduces a premature termination codon (PMID: 23670308). The resulting mRNA is expected to undergo nonsense-mediated decay. In summary, the currently available evidence indicates that the variant is pathogenic, but additional data are needed to prove that conclusively. Therefore, this variant has been classified as Likely Pathogenic.

Literature cited by the submitters: PubMed 23670308.

NM_003383.5(VLDLR):c.820_820+1delinsTC

Gene: VLDLR (very low density lipoprotein receptor; plus strand). Cytogenetic location: 9p24.2.
Variant type: Indel.
Coding change: c.820_820+1delinsTC on transcript NM_003383.5 (MANE Select); coding-DNA position 820 through the canonical splice donor site of the intron after coding-DNA position 820, CG replaced by TC.
Molecular consequence: splice donor variant.
Genome position (GRCh38, 1-based): chr9:2,643,531-2,643,532, CG replaced by TC. VCF-style: chr9-2643531-CG-TC. GRCh37 (hg19) VCF-style: chr9-2643531-CG-TC.
Other names: c.820_820+1delinsTC (NM_001018056.3); c.697_697+1delinsTC (NM_001322225.2, NM_001322226.2).
Identifiers: ClinVar variation 2735236 (VCV002735236.3), dbSNP rs2488724796, ClinGen allele CA2695210389.